The following is an entry in ClinVar:

NM_025137.4(SPG11):c.159T>C (p.Ala53=)

Gene: SPG11 (SPG11 vesicle trafficking associated, spatacsin; minus strand). Cytogenetic location: 15q21.1.
Variant type: single nucleotide variant.
Coding change: c.159T>C on transcript NM_025137.4 (MANE Select); coding-DNA position 159, T replaced by C.
Protein change: p.Ala53=; no amino-acid change (alanine 53 retained).
Molecular consequence: synonymous variant.
Genome position (GRCh38, 1-based): chr15:44,663,489, A>G on the plus strand (T>C on the coding strand, the complement: SPG11 is on the minus strand). VCF-style: chr15-44663489-A-G. GRCh37 (hg19) VCF-style: chr15-44955687-A-G.
Other names: c.159T>C, p.Ala53= (NM_001160227.2, NM_001411132.1).
Identifiers: ClinVar variation 1701255 (VCV001701255.34), dbSNP rs1172849528, ClinGen allele CA490209176.

ClinVar aggregate classification (germline): Likely benign. Review status: criteria provided, multiple submitters, no conflicts (2 of 4 stars). 2 submissions from 2 submitters: Likely benign (2). Last evaluated 2023-03-09.

Conditions:
Hereditary spastic paraplegia 11. Also called: SPASTIC PARAPLEGIA, AUTOSOMAL RECESSIVE, COMPLICATED, WITH THIN CORPUS CALLOSUM; SPASTIC PARAPLEGIA, AUTOSOMAL RECESSIVE, WITH MENTAL IMPAIRMENT AND THIN CORPUS CALLOSUM; Nakamura Osame syndrome; Autosomal recessive hereditary spastic paraplegia, mental impairment, and thin corpus callosum; Spastic Paraplegia 11; Spastic paraplegia, mental retardation and thin corpus callosum. Identifiers: Orphanet 2822, MedGen C1858479, MONDO:0011445, OMIM 604360.

Allele frequency attached by ClinVar (database versions not stated): gnomAD exomes below 0.00001; TOPMed below 0.00001; gnomAD 0.00001.
gnomAD v4.1: 6 of 1,593,222 alleles (0.00038%); highest among the groups gnomAD compares: Non-Finnish European, 0.00051%; no homozygotes.

Submissions (2):

Labcorp Genetics (formerly Invitae), Labcorp
Classification: Likely benign for Hereditary spastic paraplegia 11. Last evaluated: 2023-03-09. Review status: criteria provided, single submitter. Criteria: Invitae Variant Classification Sherloc (09022015). Collection method: clinical testing. Allele origin: germline.

CeGaT Center for Human Genetics Tuebingen
Classification: Likely benign. Last evaluated: 2022-07-01. Review status: criteria provided, single submitter. Criteria: CeGaT Center For Human Genetics Tuebingen Variant Classification Criteria Version 2. Collection method: clinical testing. Allele origin: germline. Affected: yes. Observed: 1 variant allele.
Comment: SPG11: BP4, BP7